The following is an entry in ClinVar:

ClinVar aggregate classification (germline): Pathogenic. Review status: criteria provided, multiple submitters, no conflicts (2 of 4 stars). 3 submissions from 3 submitters: Pathogenic (3). Last evaluated 2026-08-12.

Conditions:
Hereditary cancer-predisposing syndrome. Also called: Neoplastic Syndromes, Hereditary; Hereditary neoplastic syndrome; Hereditary Cancer Syndrome; Tumor predisposition. Identifiers: Orphanet 140162, MedGen C0027672, MeSH D009386, MONDO:0015356.
Familial adenomatous polyposis 1 (FAP1). Also called: POLYPOSIS, ADENOMATOUS INTESTINAL; FAMILIAL ADENOMATOUS POLYPOSIS 1, ATTENUATED. Identifiers: MedGen C2713442, MONDO:0021056, OMIM 175100. Disease mechanism: loss of function.

Submissions (3):

Ambry Genetics
Classification: Pathogenic for Hereditary cancer-predisposing syndrome. Last evaluated: 2026-08-12. Review status: criteria provided, single submitter. Criteria: Ambry Variant Classification Scheme 2023. Collection method: clinical testing. Allele origin: germline.
Comment: The c.1358delT pathogenic mutation, located in coding exon 10 of the APC gene, results from a deletion of one nucleotide at nucleotide position 1358, causing a translational frameshift with a predicted alternate stop codon (p.L453Qfs*2). This variant is considered to be rare based on population cohorts in the Genome Aggregation Database (gnomAD). This alteration is expected to result in loss of function by premature protein truncation or nonsense-mediated mRNA decay. As such, this alteration is interpreted as a disease-causing mutation.

Labcorp Genetics (formerly Invitae), Labcorp
Classification: Pathogenic for Familial adenomatous polyposis 1. Last evaluated: 2024-12-02. Review status: criteria provided, single submitter. Criteria: Invitae Variant Classification Sherloc (09022015). Collection method: clinical testing. Allele origin: germline.
Comment: This sequence change creates a premature translational stop signal (p.Leu453Glnfs*2) in the APC gene. It is expected to result in an absent or disrupted protein product. Loss-of-function variants in APC are known to be pathogenic (PMID: 17963004, 20685668). This variant is not present in population databases (gnomAD no frequency). This variant has not been reported in the literature in individuals affected with APC-related conditions. ClinVar contains an entry for this variant (Variation ID: 486779). For these reasons, this variant has been classified as Pathogenic.

Myriad Genetics, Inc.
Classification: Pathogenic for Familial adenomatous polyposis 1. Last evaluated: 2023-05-01. Review status: criteria provided, single submitter. Criteria: Myriad Autosomal Dominant, Autosomal Recessive and X-Linked Classification Criteria (2023). Collection method: clinical testing. Allele origin: unknown.
Comment: This variant is considered pathogenic. This variant creates a frameshift predicted to result in premature protein truncation.

Literature cited by the submitters: PubMed 17963004 (cited by Labcorp Genetics (formerly Invitae), Labcorp); PubMed 20685668 (cited by Labcorp Genetics (formerly Invitae), Labcorp).

NM_000038.6(APC):c.1358del (p.Leu453fs)

Gene: APC (APC regulator of Wnt signaling pathway; plus strand). Cytogenetic location: 5q22.2.
Variant type: Deletion.
Coding change: c.1358del on transcript NM_000038.6 (MANE Select); coding-DNA position 1358, one base deleted (T; older notation c.1358delT).
Protein change: p.Leu453fs; shifts the reading frame from leucine 453.
Molecular consequence: frameshift variant.
Genome position (GRCh38, 1-based): chr5:112,821,941, T deleted. VCF-style (leftmost placement, unchanged base first): chr5-112821940-CT-C. GRCh37 (hg19) VCF-style: chr5-112157637-CT-C.
Other names: c.1358del, p.Leu453fs (NM_001127510.3, NM_001354895.2, NM_001354896.2); c.1304del, p.Leu435fs (NM_001127511.3); c.1388del, p.Leu463fs (NM_001354897.2); c.1283del, p.Leu428fs (NM_001354898.2); c.1274del, p.Leu425fs (NM_001354899.2); c.1181del, p.Leu394fs (NM_001354900.2, NM_001354901.2); c.1085del, p.Leu362fs (NM_001354902.2); c.1055del, p.Leu352fs (NM_001354903.2); and 3 more; short protein forms L327fs, L435fs, L170fs, L293fs, L394fs, L362fs, L428fs, L453fs.
Identifiers: ClinVar variation 486779 (VCV000486779.10), dbSNP rs1554080702, ClinGen allele CA658655926.